The following is an entry in ClinVar:

ClinVar aggregate classification (germline): Pathogenic (1 of 4 stars; one submission).

Conditions:
Autosomal recessive limb-girdle muscular dystrophy type 2C (LGMDR5). Also called: MUSCULAR DYSTROPHY, DUCHENNE-LIKE; MUSCULAR DYSTROPHY, LIMB-GIRDLE, AUTOSOMAL RECESSIVE 5. Identifiers: Orphanet 353, MedGen C0410173, MONDO:0009677, OMIM 253700. Disease mechanism: Affects gamma-sarcoglycan and also disrupts the integrity of the entire sarcoglycan complex..

Submission:

Women's Health and Genetics/Laboratory Corporation of America, LabCorp
Classification: Pathogenic for Autosomal recessive limb-girdle muscular dystrophy type 2C. Last evaluated: 2025-07-15. Review status: criteria provided, single submitter. Criteria: LabCorp Variant Classification Summary - May 2015. Collection method: clinical testing. Allele origin: germline.
Comment: Variant summary: The variant involves the deletion of exons 1-8 in the SGCG gene. This deletion includes the entire coding sequence of the gene. As the exact proximal and distal breakpoints are unknown, it may extend beyond the annotated region of the gene to include other flanking genes. A presumed nomenclature of c.(?_-98)_(*622_?)del has been designated for the purposes of this classification. The variant was absent in 21602 control chromosomes. c.(?_-98)_(*622_?)del has been observed in individual(s) affected with Poland syndrome (Vaccari_2016) and autosomal recessive limb-girdle muscular dystrophy (Trabelsi_2008). The following publications have been ascertained in the context of this evaluation (PMID: 27884122, 18285821). No submitters have cited clinical-significance assessments for this variant to ClinVar. Based on the evidence outlined above, the variant was classified as pathogenic.

Literature cited by the submitters: PubMed 18285821; PubMed 27884122.

NC_000013.10:g.(?_23755117)_(23899302_?)del

Gene: SGCG (sarcoglycan gamma; plus strand). Cytogenetic location: 13q12.12.
Variant type: Deletion.
Identifiers: ClinVar variation 4525905 (VCV004525905.1).